The following is an entry in ClinVar:

ClinVar aggregate classification (germline): Likely pathogenic. Review status: criteria provided, multiple submitters, no conflicts (2 of 4 stars). 3 submissions from 3 submitters: Likely pathogenic (3). Last evaluated 2026-01-28.

Conditions:
Biotinidase deficiency. Also called: BTD deficiency; Late-onset biotin-responsive multiple carboxylase deficiency; Biotin deficiency. Identifiers: Orphanet 79241, MedGen C0220754, MONDO:0009665, OMIM 253260.

Submissions (3):

Labcorp Genetics (formerly Invitae), Labcorp
Classification: Likely pathogenic for Biotinidase deficiency. Last evaluated: 2026-01-28. Review status: criteria provided, single submitter. Criteria: Invitae Variant Classification Sherloc (09022015). Collection method: clinical testing. Allele origin: germline.
Comment: This sequence change replaces cysteine, which is neutral and slightly polar, with tyrosine, which is neutral and polar, at codon 160 of the BTD protein (p.Cys160Tyr). This variant is not present in population databases (gnomAD no frequency). This missense change has been observed in individual(s) with biotinidase deficiency (PMID: 25174816). ClinVar contains an entry for this variant (Variation ID: 2203313). Invitae Evidence Modeling of protein sequence and biophysical properties (such as structural, functional, and spatial information, amino acid conservation, physicochemical variation, residue mobility, and thermodynamic stability) indicates that this missense variant is expected to disrupt BTD protein function with a positive predictive value of 95%. Experimental studies have shown that this missense change affects BTD function (PMID: 31337602). This variant disrupts the p.Cys160 amino acid residue in BTD. Other variant(s) that disrupt this residue have been determined to be pathogenic (internal data). This suggests that this residue is clinically significant, and that variants that disrupt this residue are likely to be disease-causing. In summary, the currently available evidence indicates that the variant is pathogenic, but additional data are needed to prove that conclusively. Therefore, this variant has been classified as Likely Pathogenic.

Women's Health and Genetics/Laboratory Corporation of America, LabCorp
Classification: Likely pathogenic for Biotinidase deficiency. Last evaluated: 2024-06-21. Review status: criteria provided, single submitter. Criteria: LabCorp Variant Classification Summary - May 2015. Collection method: clinical testing. Allele origin: germline.
Comment: Variant summary: BTD c.419G>A (p.Cys140Tyr) results in a non-conservative amino acid change in the encoded protein sequence. Five of five in-silico tools predict a damaging effect of the variant on protein function. The variant was absent in 251084 control chromosomes. c.419G>A has been reported in the literature in at-least one individual affected with Biotinidase Deficiency (Borsatto_2014). These data do not allow any conclusion about variant significance. At least one publication reports experimental evidence that variant reduced normal activity (Borsatto_2019). The following publications have been ascertained in the context of this evaluation (PMID: 25174816, 31337602).ClinVar contains an entry for this variant (Variation ID: 2203313). Based on the evidence outlined above, the variant was classified as likely pathogenic.

Baylor Genetics
Classification: Likely pathogenic for Biotinidase deficiency. Last evaluated: 2022-09-16. Review status: criteria provided, single submitter. Criteria: ACMG Guidelines, 2015. Collection method: clinical testing. Allele origin: unknown.

Literature cited by the submitters: PubMed 25174816 (cited by Labcorp Genetics (formerly Invitae), Labcorp and Women's Health and Genetics/Laboratory Corporation of America, LabCorp); PubMed 31337602 (cited by Labcorp Genetics (formerly Invitae), Labcorp and Women's Health and Genetics/Laboratory Corporation of America, LabCorp).

NM_001370658.1(BTD):c.419G>A (p.Cys140Tyr)

Gene: BTD (biotinidase; plus strand). Cytogenetic location: 3p25.1.
Variant type: single nucleotide variant.
Coding change: c.419G>A on transcript NM_001370658.1 (MANE Select); coding-DNA position 419, G replaced by A.
Protein change: p.Cys140Tyr; replaces cysteine 140 with tyrosine.
Molecular consequence: missense variant. On other transcripts: intron variant (1).
Genome position (GRCh38, 1-based): chr3:15,644,335, G>A. VCF-style: chr3-15644335-G-A. GRCh37 (hg19) VCF-style: chr3-15685842-G-A.
Other names: c.479G>A, p.Cys160Tyr (NM_000060.4); c.419G>A, p.Cys140Tyr (NM_001281723.4, NM_001281724.3, NM_001281725.3 and 18 more transcripts); c.399+2278G>A (NM_001370753.1); short protein forms C140Y, C160Y.
Identifiers: ClinVar variation 2203313 (VCV002203313.6), dbSNP rs745343884, ClinGen allele CA70621447.